The following is an entry in ClinVar:

NM_001421.4(ELF4):c.1644G>C (p.Gln548His)

Gene: ELF4 (E74 like ETS transcription factor 4; minus strand). Cytogenetic location: Xq26.1.
Variant type: single nucleotide variant.
Coding change: c.1644G>C on transcript NM_001421.4 (MANE Select); coding-DNA position 1644, G replaced by C.
Protein change: p.Gln548His; replaces glutamine 548 with histidine.
Molecular consequence: missense variant.
Genome position (GRCh38, 1-based): chrX:130,067,069, C>G on the plus strand (G>C on the coding strand, the complement: ELF4 is on the minus strand). VCF-style: chrX-130067069-C-G. GRCh37 (hg19) VCF-style: chrX-129201044-C-G.
Other names: c.1644G>C, p.Gln548His (NM_001127197.2); short protein forms Q548H.
Identifiers: ClinVar variation 3387846 (VCV003387846.14).
Genomic context (GRCh38, chrX:130,067,069, plus strand): 5'-CTCCCTCAGGGTCTCTTCAGGAACCAGCAGCCCCTCCATGGGGGCCCCCGTCACCATACC[C>G]TGAACATAGGAGGAGGACCTCAGTGGCCCCTCCTTGACCCTAGGGGCTGCTGTAGTGCCA-3'
Protein context (NP_001412.1, residues 538-558): EGPLRSSSYV[Gln548His]GMVTGAPMEG

ClinVar aggregate classification (germline): Uncertain significance (1 of 4 stars; one submission).

Submission:

CeGaT Center for Human Genetics Tuebingen
Classification: Uncertain significance. Last evaluated: 2024-09-01. Review status: criteria provided, single submitter. Criteria: CeGaT Center For Human Genetics Tuebingen Variant Classification Criteria Version 2. Collection method: clinical testing. Allele origin: germline. Affected: yes. Observed: 1 variant allele.
Comment: ELF4: PM2